The following is an entry in ClinVar:

ClinVar aggregate classification (germline): Likely pathogenic (1 of 4 stars; one submission).

Conditions:
Alport syndrome 3b, autosomal recessive. Identifiers: MedGen C5882699, MONDO:0957811, OMIM 620536.

Submission:

3billion
Classification: Likely pathogenic for Alport syndrome 3b, autosomal recessive. Last evaluated: 2024-09-09. Review status: criteria provided, single submitter. Criteria: ACMG Guidelines, 2015. Collection method: clinical testing. Allele origin: germline. Affected: yes.
Comment: The variant is not observed in the gnomAD v4.0.0 dataset. Predicted Consequence/Location: The variant is located in a mutational hot spot and/or well-established functional domain in which established pathogenic variants have been reported (PMID: 27627812, 30311386). In silico tool predictions suggest damaging effect of the variant on gene or gene product [REVEL: 0.98 (>=0.6, sensitivity 0.68 and specificity 0.92); 3Cnet: 0.83 (>=0.6, sensitivity 0.72 and precision 0.9)]. The same nucleotide change resulting in the same amino acid change has been previously reported as pathogenic/likely pathogenic with strong evidence (PMID: 26934356). Therefore, this variant is classified as Likely pathogenic according to the recommendation of ACMG/AMP guideline.

NM_000091.4(COL4A3):c.3490G>T

Genes: MFF-DT (MFF divergent transcript; minus strand), COL4A3 (collagen type IV alpha 3 chain; plus strand). Cytogenetic location: 2q36.3.
Variant type: single nucleotide variant.
Coding change: c.3490G>T on transcript NM_000091.4; coding-DNA position 3490, G replaced by T.
Molecular consequence: missense variant (on NM_000091.5).
Genome position (GRCh38, 1-based): chr2:227,295,035, G>T. VCF-style: chr2-227295035-G-T. GRCh37 (hg19) VCF-style: chr2-228159751-G-T.
Other names: c.3490G>T, p.Gly1164Cys (NM_000091.5); short protein forms G1164C.
Identifiers: ClinVar variation 242439 (VCV000242439.2), dbSNP rs869025325.